The following continues an entry in ClinVar:

NM_138927.4(SON):c.5753_5756del (p.Val1918fs)

Gene: SON. ClinVar aggregate classification (germline): Pathogenic/Likely pathogenic. Pathogenic (22); Likely pathogenic (1).

Submissions 12 to 31 of 31:

Department of Human Genetics, Hannover Medical School
Classification: Pathogenic for ZTTK syndrome. Last evaluated: 2023-04-05. Review status: criteria provided, single submitter. Criteria: ACMG Guidelines, 2015. Collection method: clinical testing. Allele origin: germline. Inheritance: Autosomal dominant inheritance. Affected: yes.

Laboratorio de Genetica e Diagnostico Molecular, Hospital Israelita Albert Einstein
Classification: Pathogenic for ZTTK syndrome. Last evaluated: 2023-02-03. Review status: criteria provided, single submitter. Criteria: ACMG Guidelines, 2015. Collection method: clinical testing. Allele origin: germline. Affected: yes. Observed: 1 variant allele.
Comment: ACMG classification criteria: PVS1 very strong, PS4 strong, PM2 moderated, PM6 strong

Greenwood Genetic Center Diagnostic Laboratories, Greenwood Genetic Center
Classification: Pathogenic for ZTTK syndrome. Last evaluated: 2022-11-14. Review status: criteria provided, single submitter. Criteria: ACMG Guidelines, 2015. Collection method: clinical testing. Allele origin: germline. Affected: yes.
Comment: PVS1, PS2, PS4, PM2

Breda Genetics srl
Classification: Pathogenic for ZTTK syndrome. Last evaluated: 2022-09-15. Review status: criteria provided, single submitter. Criteria: ACMG Guidelines, 2015. Collection method: clinical testing. Allele origin: de novo. Inheritance: Autosomal dominant inheritance. Affected: yes. Observed: 1 variant allele, 1 heterozygote.
Comment: The variant in c.5753_5756del (p.Val1918Glufs*87) in SON gene is reported as pathogenic/likely pathogenic for ZTTK syndrome in ClinVar (Variation ID: 252929) and pathogenic in the LOVD database v.3.0. The variant creates a shift in the reading frame which is predicted to result in a premature stop codon 87 amino acids downstream. It is likely to result in a truncated protein or protein loss due to nonsense-mediated messenger decay (NMD). There is no information on frequency in gnomAD or 1000 Genomes Project. The variant has not been identified in the parents, therefore, it can be concluded that the variant is de novo.

Institute of Human Genetics, University of Leipzig Medical Center
Classification: Pathogenic for ZTTK syndrome. Last evaluated: 2022-06-29. Review status: criteria provided, single submitter. Criteria: ACMG Guidelines, 2015. Collection method: clinical testing. Allele origin: unknown. Affected: yes.
Comment: _x000D_ Criteria applied: PVS1, PS2_VSTR, PS4, PM2_SUP, PP4

Undiagnosed Diseases Network, NIH
Classification: Pathogenic for ZTTK syndrome. Last evaluated: 2022-05-31. Review status: criteria provided, single submitter. Criteria: ACMG Guidelines, 2015. Collection method: clinical testing. Allele origin: de novo. Affected: yes. Observed: 1 variant allele, 1 heterozygote. Study: Undiagnosed Diseases Network (NIH), UDN.

Baylor Genetics
Classification: Pathogenic for ZTTK syndrome. Last evaluated: 2022-02-22. Review status: criteria provided, single submitter. Criteria: ACMG Guidelines, 2015. Collection method: clinical testing. Allele origin: unknown.

New York Genome Center
Classification: Pathogenic for ZTTK syndrome. Last evaluated: 2021-03-01. Review status: criteria provided, single submitter. Criteria: NYGC Assertion Criteria 2020. Collection method: clinical testing. Allele origin: de novo. Affected: yes. Observed: 1 heterozygote. Study: CSER-NYCKidSeq.
Comment: The de novo heterozygous four base-pair deletion c.5753_5756del (p.Val1918GlufsTer87) identified in exon 3 (of 12) of the SON gene alters the wild-type translational reading frame and is predicted to cause loss of normal protein function either through protein truncation or nonsense-mediated mRNA decay. This variant has been previously reported in patients affected with ZTTK syndrome [PMID: 27545676; PMID: 27545680]. The variant has been reported as pathogenic in ClinVar database by multiple independent laboratories [Variation ID:252929]. The variant is absent from the gnomAD database suggesting it is not a common benign variant in the populations represented in the that database. Based on the available evidence, the de novo heterozygous c.5753_5756del (p.Val1918GlufsTer87) variant identified the SON gene is reported as Pathogenic.

Laboratorio de Genetica e Diagnostico Molecular, Hospital Israelita Albert Einstein
Classification: Pathogenic. Last evaluated: 2019-08-13. Review status: criteria provided, single submitter. Criteria: ACMG Guidelines, 2015. Collection method: clinical testing. Allele origin: germline. Affected: yes.
Comment: ACMG classification criteria: PVS1, PS4, PM2, PM6

Institute of Human Genetics Munich, TUM University Hospital
Classification: Pathogenic for ZTTK syndrome. Last evaluated: 2018-12-12. Review status: criteria provided, single submitter. Criteria: Classification criteria August 2017. Collection method: clinical testing. Allele origin: de novo. Inheritance: Autosomal dominant inheritance. Affected: yes. Observed: 1 heterozygote.

Baylor Genetics
Classification: Likely pathogenic for Global developmental delay; Failure to thrive. Last evaluated: 2016-06-21. Review status: criteria provided, single submitter. Criteria: Submitter's publication. Collection method: clinical testing. Allele origin: de novo. Inheritance: Autosomal dominant inheritance. Affected: yes. Study: SON.

Centre de Biologie Pathologie Génétique, Centre Hospitalier Universitaire de Lille
Classification: Pathogenic for ZTTK syndrome. Review status: criteria provided, single submitter. Criteria: ACMG Guidelines, 2015. Collection method: clinical testing. Allele origin: de novo. Affected: yes.

Equipe Genetique des Anomalies du Developpement, Université de Bourgogne
Classification: Pathogenic for Hereditary spastic paraplegia 17. Last evaluated: 2021-10-25. Review status: no assertion criteria provided. Criteria: ACMG Guidelines, 2022. Collection method: clinical testing. Allele origin: de novo. Affected: yes. Not counted in ClinVar's aggregate classification.

Molecular Genetics laboratory, Necker Hospital
Classification: Pathogenic. Last evaluated: 2021-01-14. Review status: no assertion criteria provided. Collection method: clinical testing. Allele origin: de novo. Affected: yes. Not counted in ClinVar's aggregate classification.

Service de Génétique Moléculaire, Hôpital Robert Debré
Classification: Pathogenic for ZTTK syndrome. Last evaluated: 2020-06-19. Review status: no assertion criteria provided. Collection method: clinical testing. Allele origin: de novo. Affected: yes. Not counted in ClinVar's aggregate classification.

Department of Genetics, Rouen University Hospital, Normandy Center for Genomic and Personalized Medicine
Classification: Pathogenic for Neurodevelopmental abnormality. Last evaluated: 2020-06-04. Review status: no assertion criteria provided. Collection method: clinical testing. Allele origin: de novo. Affected: yes. Not counted in ClinVar's aggregate classification.

University of Washington Center for Mendelian Genomics, University of Washington
Classification: Likely pathogenic for ZTTK syndrome. Last evaluated: 2016-09-01. Review status: no assertion criteria provided. Collection method: research. Allele origin: unknown. Affected: yes. Observed: 4 heterozygotes. Not counted in ClinVar's aggregate classification.

OMIM
Classification: Pathogenic for ZTTK SYNDROME. Last evaluated: 2015-01-15. Review status: no assertion criteria provided. Collection method: literature only. Allele origin: germline. Not counted in ClinVar's aggregate classification.

Clinical Genetics DNA and cytogenetics Diagnostics Lab, Erasmus MC, Erasmus Medical Center
Classification: Pathogenic. Review status: no assertion criteria provided. Collection method: clinical testing. Allele origin: germline. Affected: yes. Study: VKGL Data-share Consensus. Not counted in ClinVar's aggregate classification.

Diagnostic Laboratory, Department of Genetics, University Medical Center Groningen
Classification: Pathogenic. Review status: no assertion criteria provided. Collection method: clinical testing. Allele origin: germline. Affected: yes. Study: VKGL Data-share Consensus. Not counted in ClinVar's aggregate classification.

Literature cited by the submitters: PubMed 25590979 (cited by 5 submitters); PubMed 27256762 (cited by 4 submitters); PubMed 27545676 (cited by 5 submitters); PubMed 27545680 (cited by 7 submitters); PubMed 36181241 (cited by OLLIN Analises Genomicas, OLLIN); PubMed 34521999 (cited by OLLIN Analises Genomicas, OLLIN and OMIM); PubMed 32291808 (cited by OLLIN Analises Genomicas, OLLIN).